The following is an entry in ClinVar:

ClinVar aggregate classification (germline): Uncertain significance (1 of 4 stars; one submission).

Submission:

Labcorp Genetics (formerly Invitae), Labcorp
Classification: Uncertain significance. Last evaluated: 2019-07-23. Review status: criteria provided, single submitter. Criteria: Invitae Variant Classification Sherloc (09022015). Collection method: clinical testing. Allele origin: germline.
Comment: This sequence change replaces glutamine with histidine at codon 2283 of the POLE protein (p.Gln2283His). The glutamine residue is weakly conserved and there is a small physicochemical difference between glutamine and histidine. This variant is not present in population databases (ExAC no frequency). This variant has not been reported in the literature in individuals with POLE-related conditions. Algorithms developed to predict the effect of missense changes on protein structure and function (SIFT, PolyPhen-2, Align-GVGD) all suggest that this variant is likely to be tolerated, but these predictions have not been confirmed by published functional studies and their clinical significance is uncertain. In summary, the available evidence is currently insufficient to determine the role of this variant in disease. Therefore, it has been classified as a Variant of Uncertain Significance.

NM_006231.4(POLE):c.6849G>T (p.Gln2283His)

Gene: POLE (DNA polymerase epsilon, catalytic subunit; minus strand). Cytogenetic location: 12q24.33.
Variant type: single nucleotide variant.
Coding change: c.6849G>T on transcript NM_006231.4 (MANE Select); coding-DNA position 6849, G replaced by T.
Protein change: p.Gln2283His; replaces glutamine 2283 with histidine.
Molecular consequence: missense variant.
Genome position (GRCh38, 1-based): chr12:132,624,709, C>A on the plus strand (G>T on the coding strand, the complement: POLE is on the minus strand). VCF-style: chr12-132624709-C-A. GRCh37 (hg19) VCF-style: chr12-133201295-C-A.
Other names: short protein forms Q2283H.
Identifiers: ClinVar variation 960971 (VCV000960971.9), dbSNP rs2041793628, ClinGen allele CA387365574.
Genomic context (GRCh38, chr12:132,624,709, plus strand): 5'-ATCAGGAGGCCTGGCACGGACGCAGAGGCACCCGGGGCCCGGGGCTGGCTAATGGCCCAG[C>A]TGTGGGTTCTTCTGCAGCAGCCACTCCAGGGTCTCCAGGAGGTACGACATGCCGTAGTGC-3'
Protein context (NP_006222.2, residues 2273-2286): TLEWLLQKNP[Gln2283His]LGH